The following is an entry in ClinVar:

NM_003227.4(TFR2):c.534C>T (p.Asp178=)

Gene: TFR2 (transferrin receptor 2; minus strand). Cytogenetic location: 7q22.1.
Variant type: single nucleotide variant.
Coding change: c.534C>T on transcript NM_003227.4 (MANE Select); coding-DNA position 534, C replaced by T.
Protein change: p.Asp178=; no amino-acid change (aspartic acid 178 retained).
Molecular consequence: synonymous variant.
Genome position (GRCh38, 1-based): chr7:100,633,496, G>A on the plus strand (C>T on the coding strand, the complement: TFR2 is on the minus strand). VCF-style: chr7-100633496-G-A. GRCh37 (hg19) VCF-style: chr7-100231119-G-A.
Other names: c.21C>T, p.Asp7= (NM_001206855.3); c.534C>T (NM_003227.3).
Identifiers: ClinVar variation 1084754 (VCV001084754.11), dbSNP rs369114121, ClinGen allele CA4386800.

ClinVar aggregate classification (germline): Likely benign. Review status: criteria provided, single submitter (1 of 4 stars). 2 submissions from 2 submitters: Likely benign (1). 1 of the submissions does not count toward it. Last evaluated 2025-08-19.

Conditions:
TFR2-related disorder. Also called: TFR2-related condition.
Hereditary hemochromatosis (HFE). Identifiers: MedGen C0392514, MONDO:0006507. Disease mechanism: loss of function.

Allele frequency attached by ClinVar (database versions not stated): gnomAD exomes below 0.00001 and 0.00001; ExAC 0.00001; gnomAD 0.00001; TOPMed 0.00001; ESP Exome Variant Server 0.00008.
gnomAD v4.1: 5 of 1,611,540 alleles (0.00031%); highest among the groups gnomAD compares: East Asian, 0.0067%; no homozygotes.

Submissions (2):

Labcorp Genetics (formerly Invitae), Labcorp
Classification: Likely benign for Hereditary hemochromatosis. Last evaluated: 2025-08-19. Review status: criteria provided, single submitter. Criteria: Invitae Variant Classification Sherloc (09022015). Collection method: clinical testing. Allele origin: germline.

PreventionGenetics, part of Exact Sciences
Classification: Likely benign for TFR2-related condition. Last evaluated: 2023-12-19. Review status: no assertion criteria provided. Collection method: clinical testing. Allele origin: germline. Not counted in ClinVar's aggregate classification.
Comment: This variant is classified as likely benign based on ACMG/AMP sequence variant interpretation guidelines (Richards et al. 2015 PMID: 25741868, with internal and published modifications).